The following is an entry in ClinVar:

ClinVar aggregate classification (germline): Uncertain significance (1 of 4 stars; one submission).

Conditions:
Cardiac arrhythmia. Also called: Cardiac rhythm disease; Arrhythmia. Identifiers: MedGen C0003811, MONDO:0007263, HP:0011675.

Allele frequency attached by ClinVar (database versions not stated): gnomAD exomes 0.00001 and below 0.00001.
gnomAD v4.1: 1 of 1,549,794 alleles (0.000065%); highest among the groups gnomAD compares: South Asian, 0.0012%; no homozygotes.

Submission:

Color Diagnostics, LLC DBA Color Health
Classification: Uncertain significance for Arrhythmia. Last evaluated: 2018-10-09. Review status: criteria provided, single submitter. Criteria: ACMG Guidelines, 2015. Collection method: clinical testing. Allele origin: germline.
Comment: Variant of Uncertain Significance due to insufficient evidence: This missense variant is located in the C-terminal cytoplasmic domain of the KCNQ1 protein. Computational prediction tools and conservation analyses suggest that this variant may not impact the protein function. Computational splicing tools suggest that this variant may not impact RNA splicing. To our knowledge, functional assays have not been performed for this variant nor has this variant been reported in individuals affected with cardiovascular disorders in the literature. This variant is rare in the general population and has been identified in 0/277264 chromosomes by the Genome Aggregation Database (gnomAD). Available evidence is insufficient to determine the pathogenicity of this variant conclusively.

NM_000218.3(KCNQ1):c.2011G>A (p.Gly671Ser)

Genes: KCNQ1 (potassium voltage-gated channel subfamily Q member 1; plus strand), KCNQ1-AS1 (KCNQ1 antisense RNA 1; minus strand). Cytogenetic location: 11p15.4.
Variant type: single nucleotide variant.
Coding change: c.2011G>A on transcript NM_000218.3 (MANE Select); coding-DNA position 2011, G replaced by A.
Protein change: p.Gly671Ser; replaces glycine 671 with serine.
Molecular consequence: missense variant.
Genome position (GRCh38, 1-based): chr11:2,847,983, G>A. VCF-style: chr11-2847983-G-A. GRCh37 (hg19) VCF-style: chr11-2869213-G-A.
Other names: c.1915G>A, p.Gly639Ser (NM_001406836.1); c.1741G>A, p.Gly581Ser (NM_001406837.1); c.1471G>A, p.Gly491Ser (NM_001406838.1); c.523G>A, p.Gly175Ser (NM_001406839.1); c.1630G>A, p.Gly544Ser (NM_181798.2); short protein forms G671S, G544S, G581S, G175S, G639S, G491S.
Identifiers: ClinVar variation 629475 (VCV000629475.5), dbSNP rs764563996, ClinGen allele CA379140616.